The following is an entry in ClinVar:

ClinVar aggregate classification (germline): Benign/Likely benign. Review status: criteria provided, multiple submitters, no conflicts (2 of 4 stars). 14 submissions from 14 submitters: Benign (7); Likely benign (3). 4 of the submissions do not count toward it. Last evaluated 2026-02-04.

Conditions:
Neuromuscular disease caused by qualitative or quantitative defects of dysferlin. Also called: Dysferlinopathy; Qualitative or quantitative defects of dysferlin. Identifiers: Orphanet 207073, MedGen C2931687, MONDO:0016145.
Autosomal recessive limb-girdle muscular dystrophy type 2B (LGMDR2). Also called: MUSCULAR DYSTROPHY, LIMB-GIRDLE, TYPE 3; Limb-Girdle Muscular Dystrophy Type 2B (LGMD2B); Limb-girdle muscular dystrophy, type 2B; MUSCULAR DYSTROPHY, LIMB-GIRDLE, AUTOSOMAL RECESSIVE 2. Identifiers: Orphanet 268, MedGen C1850889, MONDO:0009676, OMIM 253601.

Allele frequency attached by ClinVar (database versions not stated): 1000 Genomes Project 0.01378; TOPMed 0.02438; gnomAD 0.02488 and 0.02494; 1000 Genomes Project 30x 0.01343; ExAC 0.02728; gnomAD exomes 0.02785; ESP Exome Variant Server 0.03168.
gnomAD v4.1: 60,239 of 1,614,078 alleles (3.7%); highest among the groups gnomAD compares: Non-Finnish European, 4.2%; 1,366 homozygotes.

Submissions (14):

Labcorp Genetics (formerly Invitae), Labcorp
Classification: Benign for Neuromuscular disease caused by qualitative or quantitative defects of dysferlin. Last evaluated: 2026-02-04. Review status: criteria provided, single submitter. Criteria: Invitae Variant Classification Sherloc (09022015). Collection method: clinical testing. Allele origin: germline.

Athena Diagnostics
Classification: Benign. Last evaluated: 2025-05-09. Review status: criteria provided, single submitter. Criteria: Athena Diagnostics Criteria. Collection method: clinical testing. Allele origin: unknown.
Comment: The frequency of this variant in the general population is higher than would generally be expected for pathogenic variants in this gene.

Blueprint Genetics
Classification: Likely benign. Last evaluated: 2024-11-26. Review status: criteria provided, single submitter. Criteria: ACMG Guidelines, 2015. Collection method: clinical testing. Allele origin: germline.

Mayo Clinic Laboratories, Mayo Clinic
Classification: Benign. Last evaluated: 2018-02-20. Review status: criteria provided, single submitter. Criteria: ACMG Guidelines, 2015. Collection method: clinical testing. Allele origin: germline. Observed: 70 variant alleles.

Illumina Laboratory Services, Illumina
Classification: Likely benign for Qualitative or quantitative defects of dysferlin. Last evaluated: 2018-01-13. Review status: criteria provided, single submitter. Criteria: ICSL Variant Classification Criteria 13 December 2019. Collection method: clinical testing. Allele origin: germline.
Comment: This variant was observed in the ICSL laboratory as part of a predisposition screen in an ostensibly healthy population. It had not been previously curated by ICSL or reported in the Human Gene Mutation Database (HGMD: prior to June 1st, 2018), and was therefore a candidate for classification through an automated scoring system. Utilizing variant allele frequency, disease prevalence and penetrance estimates, and inheritance mode, an automated score was calculated to assess if this variant is too frequent to cause the disease. Based on the score and internal cut-off values, a variant classified as likely benign is not then subjected to further curation. The score for this variant resulted in a classification of likely benign for this disease.

GeneDx
Classification: Benign. Last evaluated: 2016-02-10. Review status: criteria provided, single submitter. Criteria: GeneDx Variant Classification (06012015). Collection method: clinical testing. Allele origin: germline. Affected: yes.
Comment: This variant is considered likely benign or benign based on one or more of the following criteria: it is a conservative change, it occurs at a poorly conserved position in the protein, it is predicted to be benign by multiple in silico algorithms, and/or has population frequency not consistent with disease.

Laboratory for Molecular Medicine, Mass General Brigham Personalized Medicine
Classification: Benign. Last evaluated: 2015-01-13. Review status: criteria provided, single submitter. Criteria: LMM Criteria. Collection method: clinical testing. Allele origin: germline. Observed: 3 variant alleles.
Comment: p.Pro952Pro in exon 26 of DYSF: This variant is not expected to have clinical si gnificance because it does not alter an amino acid residue and is not located wi thin the splice consensus sequence. It has been identified in 4.3% (370/8600) of European American chromosomes from a broad population by the NHLBI Exome Sequen cing Project (dbSNP rs34836829).

Eurofins Ntd Llc (ga)
Classification: Benign. Last evaluated: 2013-11-22. Review status: criteria provided, single submitter. Criteria: EGL Classification Definitions 2015. Collection method: clinical testing. Allele origin: germline. Observed: 8 variant alleles, 8 heterozygotes.

Breakthrough Genomics
Classification: Likely benign. Review status: criteria provided, single submitter. Criteria: ACMG Guidelines, 2015. Collection method: not provided. Allele origin: germline. Inheritance: Autosomal recessive inheritance. Affected: yes.

PreventionGenetics, part of Exact Sciences
Classification: Benign. Review status: criteria provided, single submitter. Criteria: ACMG Guidelines, 2015. Collection method: clinical testing. Allele origin: germline.

Natera, Inc.
Classification: Benign for Limb-girdle muscular dystrophy type 2B. Last evaluated: 2020-09-16. Review status: no assertion criteria provided. Collection method: clinical testing. Allele origin: germline. Not counted in ClinVar's aggregate classification.

Clinical Genetics, Academic Medical Center
Classification: Benign. Review status: no assertion criteria provided. Collection method: clinical testing. Allele origin: germline. Affected: yes. Study: VKGL Data-share Consensus. Not counted in ClinVar's aggregate classification.

Genetic Services Laboratory, University of Chicago
Classification: Likely benign for AllHighlyPenetrant. Review status: no assertion criteria provided. Collection method: clinical testing. Allele origin: germline. Inheritance: Autosomal recessive inheritance. Not counted in ClinVar's aggregate classification.
Comment: Likely benign based on allele frequency in 1000 Genomes Project or ESP global frequency and its presence in a patient with a rare or unrelated disease phenotype. NOT Sanger confirmed.

Laboratory of Diagnostic Genome Analysis, Leiden University Medical Center (LUMC)
Classification: Likely benign. Review status: no assertion criteria provided. Collection method: clinical testing. Allele origin: germline. Affected: yes. Study: VKGL Data-share Consensus. Not counted in ClinVar's aggregate classification.

NM_001130987.2(DYSF):c.2856G>A (p.Pro952=)

Gene: DYSF (dysferlin; plus strand). Cytogenetic location: 2p13.2.
Variant type: single nucleotide variant.
Coding change: c.2856G>A on transcript NM_001130987.2 (MANE Select); coding-DNA position 2856, G replaced by A.
Protein change: p.Pro952=; no amino-acid change (proline 952 retained).
Molecular consequence: synonymous variant.
Genome position (GRCh38, 1-based): chr2:71,568,330, G>A. VCF-style: chr2-71568330-G-A. GRCh37 (hg19) VCF-style: chr2-71795460-G-A.
Other names: p.Pro934=; c.2805G>A, p.Pro935= (NM_001130455.2, NM_001130983.2); c.2760G>A, p.Pro920= (NM_001130976.2, NM_001130977.2); c.2802G>A, p.Pro934= (NM_001130978.2, NM_003494.4); c.2895G>A, p.Pro965= (NM_001130979.2); c.2853G>A, p.Pro951= (NM_001130980.2, NM_001130981.2); c.2898G>A, p.Pro966= (NM_001130982.2); c.2763G>A, p.Pro921= (NM_001130984.2, NM_001130986.2); and 1 more.
Identifiers: ClinVar variation 94294 (VCV000094294.33), dbSNP rs34836829, ClinGen allele CA147740.
Genomic context (GRCh38, chr2:71,568,330, plus strand): 5'-CAAGGACAGCTTCCGCCCCTCGGCCGGCTGGACCTGGGCTGGAGATTGGTTCGTGTGTCC[G>A]GAGAAGACGTGAGTCGTGGGCAGGGAGGGCTGGGGAGAGCCAGGCCAGGCTGCCCACCAT-3'
Protein context (NP_001124459.1, residues 942-962): WTWAGDWFVC[Pro952=]EKTLLHDMDA